The following is an entry in ClinVar:

NM_000834.5(GRIN2B):c.1906G>A (p.Ala636Thr)

Gene: GRIN2B (glutamate ionotropic receptor NMDA type subunit 2B; minus strand). Cytogenetic location: 12p13.1.
Variant type: single nucleotide variant.
Coding change: c.1906G>A on transcript NM_000834.5 (MANE Select); coding-DNA position 1906, G replaced by A.
Protein change: p.Ala636Thr; replaces alanine 636 with threonine.
Molecular consequence: missense variant.
Genome position (GRCh38, 1-based): chr12:13,608,707, C>T on the plus strand (G>A on the coding strand, the complement: GRIN2B is on the minus strand). VCF-style: chr12-13608707-C-T. GRCh37 (hg19) VCF-style: chr12-13761641-C-T.
Other names: NP_000825.2:p.(Ala636Thr); c.1906G>A, p.Ala636Thr (NM_001413992.1); short protein forms A636T.
Identifiers: ClinVar variation 4851540 (VCV004851540.1).

ClinVar aggregate classification (germline): Likely pathogenic (1 of 4 stars; one submission).

Conditions:
Developmental and epileptic encephalopathy. Identifiers: MedGen C5779964, MONDO:0100620.

Submission:

Unidad de Genómica Garrahan, Hospital de Pediatría Garrahan
Classification: Likely pathogenic for Developmental and epileptic encephalopathy. Last evaluated: 2022-01-01. Review status: criteria provided, single submitter. Criteria: ACMG Guidelines, 2015. Collection method: clinical testing. Allele origin: de novo. Affected: yes. Observed: 1 variant allele.
Comment: PM2, PM5, PM6, PP2.